The following is an entry in ClinVar:

ClinVar aggregate classification (germline): Likely benign (1 of 4 stars; one submission).

Allele frequency attached by ClinVar (database versions not stated): TOPMed below 0.00001.
gnomAD v4.1: 1 of 1,613,646 alleles (0.000062%); highest among the groups gnomAD compares: Non-Finnish European, 0.000085%; no homozygotes.

Submission:

CeGaT Center for Human Genetics Tuebingen
Classification: Likely benign. Last evaluated: 2023-07-01. Review status: criteria provided, single submitter. Criteria: CeGaT Center For Human Genetics Tuebingen Variant Classification Criteria Version 2. Collection method: clinical testing. Allele origin: germline. Affected: yes. Observed: 1 variant allele.
Comment: ASXL2: PM2:Supporting, BP4, BP7

NM_018263.6(ASXL2):c.4281G>C (p.Leu1427=)

Gene: ASXL2 (ASXL transcriptional regulator 2; minus strand). Cytogenetic location: 2p23.3.
Variant type: single nucleotide variant.
Coding change: c.4281G>C on transcript NM_018263.6 (MANE Select); coding-DNA position 4281, G replaced by C.
Protein change: p.Leu1427=; no amino-acid change (leucine 1427 retained).
Molecular consequence: synonymous variant.
Genome position (GRCh38, 1-based): chr2:25,742,056, C>G on the plus strand (G>C on the coding strand, the complement: ASXL2 is on the minus strand). VCF-style: chr2-25742056-C-G. GRCh37 (hg19) VCF-style: chr2-25964925-C-G.
Other names: c.4107G>C, p.Leu1369= (NM_001369346.1); c.3501G>C, p.Leu1167= (NM_001369347.1).
Identifiers: ClinVar variation 2650732 (VCV002650732.24), dbSNP rs2087837870, ClinGen allele CA425181252.